The following is an entry in ClinVar:

NM_001035.3(RYR2):c.5902C>A (p.Pro1968Thr)

Gene: RYR2 (ryanodine receptor 2; plus strand). Cytogenetic location: 1q43.
Variant type: single nucleotide variant.
Coding change: c.5902C>A on transcript NM_001035.3 (MANE Select); coding-DNA position 5902, C replaced by A.
Protein change: p.Pro1968Thr; replaces proline 1968 with threonine.
Molecular consequence: missense variant.
Genome position (GRCh38, 1-based): chr1:237,617,472, C>A. VCF-style: chr1-237617472-C-A. GRCh37 (hg19) VCF-style: chr1-237780772-C-A.
Other names: short protein forms P1968T.
Identifiers: ClinVar variation 3668414 (VCV003668414.2).
Genomic context (GRCh38, chr1:237,617,472, plus strand): 5'-ATGCAAGCCTTAAACATGTCAGCTGCACTCACAGCCAGGAAGACAAAGGAATTTAGATCA[C>A]CACCTCAAGAACAGGTACAGAAATGAAATGAAAATTCTTCGTATTTATGTTGGCTTTTAG-3'
Protein context (NP_001026.2, residues 1958-1978): TARKTKEFRS[Pro1968Thr]PQEQINMLLN

ClinVar aggregate classification (germline): Uncertain significance (1 of 4 stars; one submission).

Conditions:
Catecholaminergic polymorphic ventricular tachycardia 1. Also called: VENTRICULAR TACHYCARDIA, CATECHOLAMINERGIC POLYMORPHIC, 1, WITH OR WITHOUT ATRIAL DYSFUNCTION AND/OR DILATED CARDIOMYOPATHY; VENTRICULAR TACHYCARDIA, STRESS-INDUCED POLYMORPHIC 1; RYR2-Related Catecholaminergic Polymorphic Ventricular Tachycardia. Identifiers: Orphanet 3286, MedGen C1631597, MONDO:0011484, OMIM 604772.

gnomAD v4.1: 1 of 1,613,646 alleles (0.000062%); highest among the groups gnomAD compares: African/African-American, 0.0013%; no homozygotes.

Submission:

Labcorp Genetics (formerly Invitae), Labcorp
Classification: Uncertain significance for Catecholaminergic polymorphic ventricular tachycardia 1. Last evaluated: 2024-08-21. Review status: criteria provided, single submitter. Criteria: Invitae Variant Classification Sherloc (09022015). Collection method: clinical testing. Allele origin: germline.
Comment: This sequence change replaces proline, which is neutral and non-polar, with threonine, which is neutral and polar, at codon 1968 of the RYR2 protein (p.Pro1968Thr). This variant is not present in population databases (gnomAD no frequency). This variant has not been reported in the literature in individuals affected with RYR2-related conditions. Invitae Evidence Modeling of protein sequence and biophysical properties (such as structural, functional, and spatial information, amino acid conservation, physicochemical variation, residue mobility, and thermodynamic stability) has been performed for this missense variant. However, the output from this modeling did not meet the statistical confidence thresholds required to predict the impact of this variant on RYR2 protein function. In summary, the available evidence is currently insufficient to determine the role of this variant in disease. Therefore, it has been classified as a Variant of Uncertain Significance.